The following is an entry in ClinVar:

ClinVar aggregate classification (germline): Likely benign. Review status: criteria provided, multiple submitters, no conflicts (2 of 4 stars). 2 submissions from 2 submitters: Likely benign (2). Last evaluated 2025-02-16.

Allele frequency attached by ClinVar (database versions not stated): TOPMed 0.00007; ExAC 0.00011; gnomAD 0.00013; gnomAD exomes 0.00021.

Submissions (2):

Laboratory of Genetics, Children's Clinical University Hospital Latvia
Classification: Likely benign. Last evaluated: 2025-02-16. Review status: criteria provided, single submitter. Criteria: ACMG Guidelines, 2015. Collection method: clinical testing. Allele origin: germline. Affected: yes.

CeGaT Center for Human Genetics Tuebingen
Classification: Likely benign. Last evaluated: 2023-10-01. Review status: criteria provided, single submitter. Criteria: CeGaT Center For Human Genetics Tuebingen Variant Classification Criteria Version 2. Collection method: clinical testing. Allele origin: germline. Affected: yes. Observed: 1 variant allele.
Comment: DVL2: BP4, BP7

NM_004422.3(DVL2):c.750G>A (p.Thr250=)

Gene: DVL2 (dishevelled segment polarity protein 2; minus strand). Cytogenetic location: 17p13.1.
Variant type: single nucleotide variant.
Coding change: c.750G>A on transcript NM_004422.3 (MANE Select); coding-DNA position 750, G replaced by A.
Protein change: p.Thr250=; no amino-acid change (threonine 250 retained).
Molecular consequence: synonymous variant.
Genome position (GRCh38, 1-based): chr17:7,229,445, C>T on the plus strand (G>A on the coding strand, the complement: DVL2 is on the minus strand). VCF-style: chr17-7229445-C-T. GRCh37 (hg19) VCF-style: chr17-7132764-C-T.
Identifiers: ClinVar variation 2647322 (VCV002647322.25), dbSNP rs753072149, ClinGen allele CA8338820.